The following is an entry in ClinVar:

NM_003680.3(YARS1):c.-464C>T

Genes: S100PBP (S100P binding protein; plus strand), YARS1 (tyrosyl-tRNA synthetase 1; minus strand). Cytogenetic location: 1p35.1.
Variant type: single nucleotide variant.
Coding change: c.-464C>T on transcript NM_003680.3; 464 bases upstream of the start codon, C replaced by T.
Molecular consequence: intron variant (on NM_022753.4).
Genome position (GRCh38, 1-based): chr1:32,817,708, G>A on the plus strand (C>T on the coding strand, the complement: YARS1 is on the minus strand). VCF-style: chr1-32817708-G-A. GRCh37 (hg19) VCF-style: chr1-33283309-G-A.
Other names: c.-120+109G>A (NM_001256121.2); c.-120+19G>A (NM_022753.4).
Identifiers: ClinVar variation 297171 (VCV000297171.8), dbSNP rs534491159, ClinGen allele CA10611013.
Genomic context (GRCh38, chr1:32,817,708, plus strand): 5'-GAGGCGCAGTCGTTCGCCCAGGCTTTGGCCCGGCTTCCGGAGGTGAAGAGCGGGAGGGAC[G>A]AGGGGGTCGGCGTTACCCGGCTTGGAGGGGGATGGGGGCGCCTGTTGCTTCTCCAGGGGG-3'

ClinVar aggregate classification (germline): Benign. Review status: criteria provided, multiple submitters, no conflicts (2 of 4 stars). 2 submissions from 2 submitters: Benign (2). Last evaluated 2018-01-12.

Conditions:
Charcot-Marie-Tooth disease dominant intermediate C (CMTDIC). Also called: CHARCOT-MARIE-TOOTH NEUROPATHY, DOMINANT INTERMEDIATE C. Identifiers: Orphanet 100045, MedGen C1842237, MONDO:0012012, OMIM 608323.

Allele frequency attached by ClinVar (database versions not stated): 1000 Genomes Project 30x 0.00094; gnomAD 0.00102; 1000 Genomes Project 0.00060; TOPMed 0.00202.
gnomAD v4.1: 382 of 220,794 alleles (0.17%); highest among the groups gnomAD compares: Admixed American, 0.54%; no homozygotes.

Submissions (2):

Illumina Laboratory Services, Illumina
Classification: Benign for Charcot-Marie-Tooth disease dominant intermediate C. Last evaluated: 2018-01-12. Review status: criteria provided, single submitter. Criteria: ICSL Variant Classification Criteria 13 December 2019. Collection method: clinical testing. Allele origin: germline.
Comment: This variant was observed in the ICSL laboratory as part of a predisposition screen in an ostensibly healthy population. It had not been previously curated by ICSL or reported in the Human Gene Mutation Database (HGMD: prior to June 1st, 2018), and was therefore a candidate for classification through an automated scoring system. Utilizing variant allele frequency, disease prevalence and penetrance estimates, and inheritance mode, an automated score was calculated to assess if this variant is too frequent to cause the disease. Based on the score and internal cut-off values, a variant classified as benign is not then subjected to further curation. The score for this variant resulted in a classification of benign for this disease.

Breakthrough Genomics
Classification: Benign. Review status: criteria provided, single submitter. Criteria: ACMG Guidelines, 2015. Collection method: not provided. Allele origin: germline. Inheritance: Unknown mechanism. Affected: yes.